The following is an entry in ClinVar:

NM_007118.4(TRIO):c.7595C>T (p.Ala2532Val)

Gene: TRIO (trio Rho guanine nucleotide exchange factor; plus strand). Cytogenetic location: 5p15.2.
Variant type: single nucleotide variant.
Coding change: c.7595C>T on transcript NM_007118.4 (MANE Select); coding-DNA position 7595, C replaced by T.
Protein change: p.Ala2532Val; replaces alanine 2532 with valine.
Molecular consequence: missense variant.
Genome position (GRCh38, 1-based): chr5:14,488,223, C>T. VCF-style: chr5-14488223-C-T. GRCh37 (hg19) VCF-style: chr5-14488332-C-T.
Other names: short protein forms A2532V.
Identifiers: ClinVar variation 989372 (VCV000989372.28), dbSNP rs1400453441, ClinGen allele CA359237764.
Genomic context (GRCh38, chr5:14,488,223, plus strand): 5'-AGACACCCCGCCACGCGGCCCCTGGCAAGGATACTGACCGCATGAGCACGTGCTCCTCGG[C>T]CAGCGAGCAGTCCGTGCAGTCCACCCAGAGCAACGGGGTAAGCGCGTCGGGGGGCCCGCG-3'
Protein context (NP_009049.2, residues 2522-2542): DTDRMSTCSS[Ala2532Val]SEQSVQSTQS

ClinVar aggregate classification (germline): Uncertain significance. Review status: criteria provided, multiple submitters, no conflicts (2 of 4 stars). 2 submissions from 2 submitters: Uncertain significance (2). Last evaluated 2022-05-01.

Conditions:
Intellectual developmental disorder, autosomal dominant 44, with microcephaly. Also called: Micrognathia-recurrent infections-behavioral abnormalities-mild intellectual disability syndrome; TRIO-Related Intellectual Disability. Identifiers: Orphanet 476126, MedGen C4310740, MONDO:0014892, OMIM 617061.

gnomAD v4.1: 2 of 1,588,990 alleles (0.00013%); highest among the groups gnomAD compares: Non-Finnish European, 0.000085%; no homozygotes.

Submissions (2):

CeGaT Center for Human Genetics Tuebingen
Classification: Uncertain significance. Last evaluated: 2022-05-01. Review status: criteria provided, single submitter. Criteria: CeGaT Center For Human Genetics Tuebingen Variant Classification Criteria Version 2. Collection method: clinical testing. Allele origin: germline. Affected: yes. Observed: 1 variant allele.

Illumina Laboratory Services, Illumina
Classification: Uncertain significance for TRIO-related intellectual disability. Last evaluated: 2019-07-30. Review status: criteria provided, single submitter. Criteria: ICSLVariantClassificationCriteria RUGD 01 April 2020. Collection method: clinical testing. Allele origin: unknown.
Comment: The TRIO c.7595C>T (p.Ala2532Val) variant is a missense variant. A literature search was performed for the gene, cDNA change, and amino acid change. No publications were found based on this search. This variant is not found in the Genome Aggregation Database in a region of good sequence coverage, so the variant is presumed to be rare. Based on the limited evidence, the p.Ala2532Val variant is classified as a variant of uncertain significance for TRIO-related intellectual disability.